The following is an entry in ClinVar:

NM_000287.4(PEX6):c.882+5G>A

Gene: PEX6 (peroxisomal biogenesis factor 6; minus strand). Cytogenetic location: 6p21.1.
Variant type: single nucleotide variant.
Coding change: c.882+5G>A on transcript NM_000287.4 (MANE Select); 5 bases into the intron after coding-DNA position 882, G replaced by A.
Molecular consequence: intron variant.
Genome position (GRCh38, 1-based): chr6:42,978,264, C>T on the plus strand (G>A on the coding strand, the complement: PEX6 is on the minus strand). VCF-style: chr6-42978264-C-T. GRCh37 (hg19) VCF-style: chr6-42946002-C-T.
Other names: c.618+269G>A (NM_001316313.2).
Identifiers: ClinVar variation 1388613 (VCV001388613.3), dbSNP rs1770388962, ClinGen allele CA1624317985.
Genomic context (GRCh38, chr6:42,978,264, plus strand): 5'-TACCTAAGACAGAGAAGAGGGTATAAGAAAGAGGAAGCACTCCTGACCCCAGTCCTTTAT[C>T]CTACCTGAATTCTGAGCTCTCCCATTTCCAGGGGGTCACAGCCAAGATTAAAAGCCAAAG-3'

ClinVar aggregate classification (germline): Uncertain significance (1 of 4 stars; one submission).

Conditions:
Peroxisome biogenesis disorder. Identifiers: Orphanet 79189, MedGen C1832200, MONDO:0019234. Disease mechanism: loss of function.

Submission:

Labcorp Genetics (formerly Invitae), Labcorp
Classification: Uncertain significance for Peroxisome biogenesis disorder. Last evaluated: 2022-07-19. Review status: criteria provided, single submitter. Criteria: Invitae Variant Classification Sherloc (09022015). Collection method: clinical testing. Allele origin: germline.
Comment: This sequence change falls in intron 1 of the PEX6 gene. It does not directly change the encoded amino acid sequence of the PEX6 protein. It affects a nucleotide within the consensus splice site. This variant is not present in population databases (gnomAD no frequency). This variant has not been reported in the literature in individuals affected with PEX6-related conditions. ClinVar contains an entry for this variant (Variation ID: 1388613). Variants that disrupt the consensus splice site are a relatively common cause of aberrant splicing (PMID: 17576681, 9536098). Algorithms developed to predict the effect of sequence changes on RNA splicing suggest that this variant may disrupt the consensus splice site. In summary, the available evidence is currently insufficient to determine the role of this variant in disease. Therefore, it has been classified as a Variant of Uncertain Significance.

Literature cited by the submitters: PubMed 17576681; PubMed 9536098.